The following is an entry in ClinVar:

ClinVar aggregate classification (germline): Benign (1 of 4 stars; one submission).

Allele frequency attached by ClinVar (database versions not stated): gnomAD 0.00024; gnomAD exomes 0.00026; TOPMed 0.00035; 1000 Genomes Project 30x 0.00062.
gnomAD v4.1: 106 of 398,764 alleles (0.027%); highest among the groups gnomAD compares: Middle Eastern, 0.25%; no homozygotes.

Submission:

CeGaT Center for Human Genetics Tuebingen
Classification: Benign. Last evaluated: 2026-03-01. Review status: criteria provided, single submitter. Criteria: CeGaT Center For Human Genetics Tuebingen Variant Classification Criteria Version 2. Collection method: clinical testing. Allele origin: germline. Affected: yes. Observed: 11 variant alleles.
Comment: KCNQ1OT1: BS1, BS2

NM_000218.3(KCNQ1):c.1514+1994C>T

Genes: KCNQ1 (potassium voltage-gated channel subfamily Q member 1; plus strand), KCNQ1OT1 (KCNQ1 opposite strand/antisense transcript 1; minus strand). Cytogenetic location: 11p15.5.
Variant type: single nucleotide variant.
Coding change: c.1514+1994C>T on transcript NM_000218.3 (MANE Select); 1994 bases into the intron after coding-DNA position 1514, C replaced by T.
Molecular consequence: intron variant.
Genome position (GRCh38, 1-based): chr11:2,664,075, C>T. VCF-style: chr11-2664075-C-T. GRCh37 (hg19) VCF-style: chr11-2685305-C-T.
Other names: c.1244+1994C>T (NM_001406837.1); c.1418+1994C>T (NM_001406836.1); c.974+1994C>T (NM_001406838.1); c.1133+1994C>T (NM_181798.2).
Identifiers: ClinVar variation 2582890 (VCV002582890.25), dbSNP rs939173547, ClinGen allele CA216172887.